The following is an entry in ClinVar:

ClinVar aggregate classification (germline): Uncertain significance (1 of 4 stars; one submission).

Conditions:
Cardiac anomalies - developmental delay - facial dysmorphism syndrome (MRFACD). Also called: MED13L Syndrome; Impaired intellectual development and distinctive facial features with or without cardiac defects. Identifiers: Orphanet 369891, MedGen C5192431, MONDO:0014773, OMIM 616789.

Submission:

Laboratory of Medical Genetics, National & Kapodistrian University of Athens
Classification: Uncertain significance for Cardiac anomalies - developmental delay - facial dysmorphism syndrome. Last evaluated: 2021-10-06. Review status: criteria provided, single submitter. Criteria: ACMG Guidelines, 2015. Collection method: clinical testing. Allele origin: maternal. Affected: yes.
Comment: PM2, PP3, BP1

NM_015335.5(MED13L):c.6151C>T (p.Pro2051Ser)

Gene: MED13L (mediator complex subunit 13L; minus strand). Cytogenetic location: 12q24.21.
Variant type: single nucleotide variant.
Coding change: c.6151C>T on transcript NM_015335.5 (MANE Select); coding-DNA position 6151, C replaced by T.
Protein change: p.Pro2051Ser; replaces proline 2051 with serine.
Molecular consequence: missense variant.
Genome position (GRCh38, 1-based): chr12:115,969,014, G>A on the plus strand (C>T on the coding strand, the complement: MED13L is on the minus strand). VCF-style: chr12-115969014-G-A. GRCh37 (hg19) VCF-style: chr12-116406819-G-A.
Other names: short protein forms P2051S.
Identifiers: ClinVar variation 1299588 (VCV001299588.1), dbSNP rs2137216697, ClinGen allele CA386875670.